The following is an entry in ClinVar:

NM_182931.3(KMT2E):c.2120C>T (p.Ala707Val)

Gene: KMT2E (lysine methyltransferase 2E (inactive); plus strand). Cytogenetic location: 7q22.3.
Variant type: single nucleotide variant.
Coding change: c.2120C>T on transcript NM_182931.3 (MANE Select); coding-DNA position 2120, C replaced by T.
Protein change: p.Ala707Val; replaces alanine 707 with valine.
Molecular consequence: missense variant.
Genome position (GRCh38, 1-based): chr7:105,102,118, C>T. VCF-style: chr7-105102118-C-T. GRCh37 (hg19) VCF-style: chr7-104742565-C-T.
Other names: c.2120C>T, p.Ala707Val (NM_001410908.1, NM_018682.4); short protein forms A707V.
Identifiers: ClinVar variation 2748866 (VCV002748866.3), dbSNP rs1798680479, ClinGen allele CA368785347.

ClinVar aggregate classification (germline): Uncertain significance (1 of 4 stars; one submission).

Allele frequency attached by ClinVar (database versions not stated): gnomAD exomes 0.00001; TOPMed 0.00001.

Submission:

Labcorp Genetics (formerly Invitae), Labcorp
Classification: Uncertain significance. Last evaluated: 2024-10-07. Review status: criteria provided, single submitter. Criteria: Invitae Variant Classification Sherloc (09022015). Collection method: clinical testing. Allele origin: germline.
Comment: This sequence change replaces alanine, which is neutral and non-polar, with valine, which is neutral and non-polar, at codon 707 of the KMT2E protein (p.Ala707Val). This variant is not present in population databases (gnomAD no frequency). This variant has not been reported in the literature in individuals affected with KMT2E-related conditions. Invitae Evidence Modeling of protein sequence and biophysical properties (such as structural, functional, and spatial information, amino acid conservation, physicochemical variation, residue mobility, and thermodynamic stability) indicates that this missense variant is not expected to disrupt KMT2E protein function with a negative predictive value of 80%. In summary, the available evidence is currently insufficient to determine the role of this variant in disease. Therefore, it has been classified as a Variant of Uncertain Significance.